The following is an entry in ClinVar:

NM_025074.7(FRAS1):c.790-1G>A

Gene: FRAS1 (Fraser extracellular matrix complex subunit 1; plus strand). Cytogenetic location: 4q21.21.
Variant type: single nucleotide variant.
Coding change: c.790-1G>A on transcript NM_025074.7 (MANE Select); the canonical splice acceptor site of the intron before coding-DNA position 790, G replaced by A.
Molecular consequence: splice acceptor variant.
Genome position (GRCh38, 1-based): chr4:78,267,240, G>A. VCF-style: chr4-78267240-G-A. GRCh37 (hg19) VCF-style: chr4-79188394-G-A.
Other names: c.790-1G>A (NM_001166133.2).
Identifiers: ClinVar variation 3639935 (VCV003639935.3).
Genomic context (GRCh38, chr4:78,267,240, plus strand): 5'-TTGGCTTGGGTGTTTCACCGTCTCCTGAGGACTGCCCCTCACCTTCCTCTCTGTGTCCTA[G>A]GGTCAGAGCAGGGCTCGGCGTCATGGGCAATGCTGTGAGGAATGTGTGTCTCCTGCCGGG-3'

ClinVar aggregate classification (germline): Likely pathogenic (1 of 4 stars; one submission).

Submission:

Labcorp Genetics (formerly Invitae), Labcorp
Classification: Likely pathogenic. Last evaluated: 2024-02-09. Review status: criteria provided, single submitter. Criteria: Invitae Variant Classification Sherloc (09022015). Collection method: clinical testing. Allele origin: germline.
Comment: This sequence change affects an acceptor splice site in intron 8 of the FRAS1 gene. It is expected to disrupt RNA splicing. Variants that disrupt the donor or acceptor splice site typically lead to a loss of protein function (PMID: 16199547), and loss-of-function variants in FRAS1 are known to be pathogenic (PMID: 12766769, 18671281). This variant is not present in population databases (gnomAD no frequency). This variant has not been reported in the literature in individuals affected with FRAS1-related conditions. Algorithms developed to predict the effect of sequence changes on RNA splicing suggest that this variant may disrupt the consensus splice site. In summary, the currently available evidence indicates that the variant is pathogenic, but additional data are needed to prove that conclusively. Therefore, this variant has been classified as Likely Pathogenic.

Literature cited by the submitters: PubMed 16199547; PubMed 12766769; PubMed 18671281.